The following is an entry in ClinVar:

NM_024753.5(TTC21B):c.770T>C (p.Val257Ala)

Gene: TTC21B (tetratricopeptide repeat domain 21B; minus strand). Cytogenetic location: 2q24.3.
Variant type: single nucleotide variant.
Coding change: c.770T>C on transcript NM_024753.5 (MANE Select); coding-DNA position 770, T replaced by C.
Protein change: p.Val257Ala; replaces valine 257 with alanine.
Molecular consequence: missense variant.
Genome position (GRCh38, 1-based): chr2:165,932,998, A>G on the plus strand (T>C on the coding strand, the complement: TTC21B is on the minus strand). VCF-style: chr2-165932998-A-G. GRCh37 (hg19) VCF-style: chr2-166789508-A-G.
Other names: short protein forms V257A.
Identifiers: ClinVar variation 1962775 (VCV001962775.2), dbSNP rs2468219291, ClinGen allele CA349049092.

ClinVar aggregate classification (germline): Uncertain significance (1 of 4 stars; one submission).

Conditions:
Jeune thoracic dystrophy. Also called: Short-rib thoracic dysplasia; Jeune syndrome; Infantile thoracic dystrophy; Thoracic pelvic phalangeal dystrophy; Jeune's syndrome; Chondroectodermal dysplasia-like syndrome. Identifiers: Orphanet 474, MedGen C0265275, MONDO:0018770.
Nephronophthisis. Also called: Juvenile Nephronophthisis. Identifiers: Orphanet 655, MedGen C0687120, MONDO:0019005, HP:0000090.

Submission:

Labcorp Genetics (formerly Invitae), Labcorp
Classification: Uncertain significance for Jeune thoracic dystrophy; Nephronophthisis. Last evaluated: 2022-06-20. Review status: criteria provided, single submitter. Criteria: Invitae Variant Classification Sherloc (09022015). Collection method: clinical testing. Allele origin: germline.
Comment: This sequence change replaces valine, which is neutral and non-polar, with alanine, which is neutral and non-polar, at codon 257 of the TTC21B protein (p.Val257Ala). This variant is not present in population databases (gnomAD no frequency). This variant has not been reported in the literature in individuals affected with TTC21B-related conditions. Algorithms developed to predict the effect of missense changes on protein structure and function are either unavailable or do not agree on the potential impact of this missense change (SIFT: "Deleterious"; PolyPhen-2: "Benign"; Align-GVGD: "Class C0"). In summary, the available evidence is currently insufficient to determine the role of this variant in disease. Therefore, it has been classified as a Variant of Uncertain Significance.